The following is an entry in ClinVar:

NM_000551.4(VHL):c.314del (p.Thr105fs)

Gene: VHL (von Hippel-Lindau tumor suppressor; plus strand). Cytogenetic location: 3p25.3.
Variant type: Deletion.
Coding change: c.314del on transcript NM_000551.4 (MANE Select); coding-DNA position 314, one base deleted (C; older notation c.314delC).
Protein change: p.Thr105fs; shifts the reading frame from threonine 105.
Molecular consequence: frameshift variant. On other transcripts: non-coding transcript variant (1).
Genome position (GRCh38, 1-based): chr3:10,142,161, C deleted. VCF-style (leftmost placement, unchanged base first): chr3-10142160-AC-A. GRCh37 (hg19) VCF-style: chr3-10183844-AC-A.
Other names: c.314delC, p.Thr105Argfs (NM_000551.3); c.314del, p.Thr105fs (NM_001354723.2, NM_198156.3); short protein forms T105fs.
Identifiers: ClinVar variation 3383006 (VCV003383006.2).
Genomic context (GRCh38, chr3:10,142,160, plus strand): 5'-CTGCCCGTATGGCTCAACTTCGACGGCGAGCCGCAGCCCTACCCAACGCTGCCGCCTGGC[AC>A]GGGCCGCCGCATCCACAGCTACCGAGGTACGGGCCCGGCGCTTAGGCCCGACCCAGCAGG-3'

ClinVar aggregate classification (germline): Pathogenic (1 of 4 stars; one submission).

Conditions:
Pheochromocytoma. Also called: MAX-Related Hereditary Paraganglioma-Pheochromocytoma Syndrome. Identifiers: Orphanet 29072, MedGen C0031511, MONDO:0008233, OMIM 171300, HP:0002666.
Von Hippel-Lindau syndrome (VHLS). Also called: VHL syndrome; Von Hippel-Lindau; von Hippel–Lindau syndrome. Identifiers: Orphanet 892, MedGen C0019562, MONDO:0008667, OMIM 193300. Disease mechanism: loss of function.
Nonpapillary renal cell carcinoma. Identifiers: Orphanet 422526, MedGen CN074294, MONDO:0007763, OMIM 144700.
Chuvash polycythemia. Also called: POLYCYTHEMIA, VHL-DEPENDENT. Identifiers: Orphanet 238557, MedGen C1837915, MONDO:0009892, OMIM 263400.

Submission:

Juno Genomics, Hangzhou Juno Genomics, Inc
Classification: Pathogenic for Nonpapillary renal cell carcinoma; Pheochromocytoma; Von Hippel-Lindau syndrome; Chuvash polycythemia. Review status: criteria provided, single submitter. Criteria: ACMG Guidelines, 2015. Collection method: clinical testing. Allele origin: germline. Affected: yes.
Comment: Absent from controls (or at extremely low frequency if recessive) in Genome Aggregation Database, Exome Sequencing Project, 1000 Genomes Project, or Exome Aggregation Consortium.;Null variant in a gene where loss of function (LOF) is a known mechanism of disease.